The following is an entry in ClinVar:

NM_138420.4(AHNAK2):c.10569T>A (p.Ile3523=)

Gene: AHNAK2 (AHNAK nucleoprotein 2; minus strand). Cytogenetic location: 14q32.33.
Variant type: single nucleotide variant.
Coding change: c.10569T>A on transcript NM_138420.4 (MANE Select); coding-DNA position 10569, T replaced by A.
Protein change: p.Ile3523=; no amino-acid change (isoleucine 3523 retained).
Molecular consequence: synonymous variant.
Genome position (GRCh38, 1-based): chr14:104,944,882, A>T on the plus strand (T>A on the coding strand, the complement: AHNAK2 is on the minus strand). VCF-style: chr14-104944882-A-T. GRCh37 (hg19) VCF-style: chr14-105411219-A-T.
Other names: c.10269T>A, p.Ile3423= (NM_001350929.2).
Identifiers: ClinVar variation 2644665 (VCV002644665.24), dbSNP rs754011612, ClinGen allele CA7379060.

ClinVar aggregate classification (germline): Likely benign (1 of 4 stars; one submission).

Allele frequency attached by ClinVar (database versions not stated): gnomAD 0.00001; gnomAD exomes 0.00002; ExAC 0.00003.
gnomAD v4.1: 37 of 1,612,678 alleles (0.0023%); highest among the groups gnomAD compares: South Asian, 0.018%; no homozygotes.

Submission:

CeGaT Center for Human Genetics Tuebingen
Classification: Likely benign. Last evaluated: 2022-12-01. Review status: criteria provided, single submitter. Criteria: CeGaT Center For Human Genetics Tuebingen Variant Classification Criteria Version 2. Collection method: clinical testing. Allele origin: germline. Affected: yes. Observed: 1 variant allele.
Comment: AHNAK2: BP4, BP7